The following is an entry in ClinVar:

ClinVar aggregate classification (germline): Uncertain significance (1 of 4 stars; one submission).

Conditions:
Cataract 1 multiple types. Also called: CATARACT, DUFFY-LINKED; CATARACT 1, MULTIPLE TYPES, WITH OR WITHOUT MICROCORNEA; CATARACT 1, NUCLEAR PROGRESSIVE; CATARACT 1 WITH MICROCORNEA; CATARACT 1, POSTERIOR SUBCAPSULAR, WITH MICROCORNEA; CATARACT 1, STELLATE NUCLEAR, WITH MICROCORNEA. Identifiers: Orphanet 1377, MedGen C1861828, MONDO:0007285, OMIM 116200.

Submission:

Labcorp Genetics (formerly Invitae), Labcorp
Classification: Uncertain significance for Cataract 1 multiple types. Last evaluated: 2024-01-25. Review status: criteria provided, single submitter. Criteria: Invitae Variant Classification Sherloc (09022015). Collection method: clinical testing. Allele origin: germline.
Comment: A copy number gain of the genomic region encompassing the full coding sequence of the GJA8 gene has been identified. The boundaries of this event are unknown as they extend beyond the assayed region for this gene and therefore may encompass additional genes. As the precise location of this event is unknown, it may be in tandem or it may be located elsewhere in the genome. This variant has not been reported in the literature in individuals affected with GJA8-related conditions. In summary, the available evidence is currently insufficient to determine the role of this variant in disease. Therefore, it has been classified as a Variant of Uncertain Significance.

NC_000001.10:g.(?_146714354)_(147381384_?)dup

Genes: ACP6 (acid phosphatase 6, lysophosphatidic; minus strand), BCL9 (BCL9 transcription coactivator; plus strand), CHD1L (chromodomain helicase DNA binding protein 1 like; plus strand), GJA5 (gap junction protein alpha 5; minus strand), GJA8 (gap junction protein alpha 8; plus strand). Cytogenetic location: 1q21.1-21.2.
Variant type: Duplication.
Identifiers: ClinVar variation 1440405 (VCV001440405.5).